The following is an entry in ClinVar:

NM_001330691.3(CEP78):c.309T>A (p.Asp103Glu)

Gene: CEP78 (centrosomal protein 78; plus strand). Cytogenetic location: 9q21.2.
Variant type: single nucleotide variant.
Coding change: c.309T>A on transcript NM_001330691.3 (MANE Select); coding-DNA position 309, T replaced by A.
Protein change: p.Asp103Glu; replaces aspartic acid 103 with glutamic acid.
Molecular consequence: missense variant.
Genome position (GRCh38, 1-based): chr9:78,240,078, T>A. VCF-style: chr9-78240078-T-A. GRCh37 (hg19) VCF-style: chr9-80854994-T-A.
Other names: c.309T>A, p.Asp103Glu (NM_001098802.3, NM_001330693.3, NM_001330694.2 and 4 more transcripts); short protein forms D103E.
Identifiers: ClinVar variation 933244 (VCV000933244.9), dbSNP rs757172721, ClinGen allele CA5094878.
Genomic context (GRCh38, chr9:78,240,078, plus strand): 5'-TTTAGGTTCTGACATGAATAAATTTTGCAGAAGTCGTGTTCCTGCGATAAGATACAAAGA[T>A]GTGACCTTCCAGTTGTGTAAAGCTCTTAAAGGCTGTTTAAGTATATCAAGTGTGCTAAAG-3'
Protein context (NP_001317620.1, residues 93-113): RSRVPAIRYK[Asp103Glu]VTFQLCKALK

ClinVar aggregate classification (germline): Uncertain significance (1 of 4 stars; one submission).

Allele frequency attached by ClinVar (database versions not stated): gnomAD exomes 0.00001; ExAC 0.00002.
gnomAD v4.1: 3 of 1,585,788 alleles (0.00019%); highest among the groups gnomAD compares: Admixed American, 0.0041%; no homozygotes.

Submission:

Labcorp Genetics (formerly Invitae), Labcorp
Classification: Uncertain significance. Last evaluated: 2022-06-03. Review status: criteria provided, single submitter. Criteria: Invitae Variant Classification Sherloc (09022015). Collection method: clinical testing. Allele origin: germline.
Comment: This variant has not been reported in the literature in individuals affected with CEP78-related conditions. In summary, the available evidence is currently insufficient to determine the role of this variant in disease. Therefore, it has been classified as a Variant of Uncertain Significance. Algorithms developed to predict the effect of missense changes on protein structure and function output the following: SIFT: "Tolerated"; PolyPhen-2: "Probably Damaging"; Align-GVGD: "Class C0". The glutamic acid amino acid residue is found in multiple mammalian species, which suggests that this missense change does not adversely affect protein function. ClinVar contains an entry for this variant (Variation ID: 933244). This variant is present in population databases (rs757172721, gnomAD 0.008%). This sequence change replaces aspartic acid, which is acidic and polar, with glutamic acid, which is acidic and polar, at codon 103 of the CEP78 protein (p.Asp103Glu).